The following is an entry in ClinVar:

ClinVar aggregate classification (germline): Conflicting classifications of pathogenicity. Review status: criteria provided, conflicting classifications (1 of 4 stars). 2 submissions from 2 submitters: Uncertain significance (1); Likely benign (1). Last evaluated 2025-04-14.

Allele frequency attached by ClinVar (database versions not stated): TOPMed 0.00001; ESP Exome Variant Server 0.00009; gnomAD 0.00001; gnomAD exomes 0.00001.
gnomAD v4.1: 7 of 1,154,954 alleles (0.00061%); highest among the groups gnomAD compares: Non-Finnish European, 0.00081%; no homozygotes.

Submissions (2):

Labcorp Genetics (formerly Invitae), Labcorp
Classification: Likely benign. Last evaluated: 2025-04-14. Review status: criteria provided, single submitter. Criteria: Invitae Variant Classification Sherloc (09022015). Collection method: clinical testing. Allele origin: germline.

Greenwood Genetic Center Diagnostic Laboratories, Greenwood Genetic Center
Classification: Uncertain significance. Last evaluated: 2024-05-02. Review status: criteria provided, single submitter. Criteria: ACMG Guidelines, 2015. Collection method: clinical testing. Allele origin: germline. Affected: yes.
Comment: PM2

NM_001330360.2(POLA1):c.3916-16C>T

Gene: POLA1 (DNA polymerase alpha 1, catalytic subunit; plus strand). Cytogenetic location: Xp22.11.
Variant type: single nucleotide variant.
Coding change: c.3916-16C>T on transcript NM_001330360.2 (MANE Select); 16 bases into the intron before coding-DNA position 3916, C replaced by T.
Molecular consequence: intron variant.
Genome position (GRCh38, 1-based): chrX:24,843,530, C>T. VCF-style: chrX-24843530-C-T. GRCh37 (hg19) VCF-style: chrX-24861647-C-T.
Other names: c.3841-16C>T (NM_001378303.1); c.3898-16C>T (NM_016937.4).
Identifiers: ClinVar variation 1558023 (VCV001558023.9), dbSNP rs370848887, ClinGen allele CA327720197.